The following is an entry in ClinVar:

NM_020207.7(ERCC6L2):c.410A>G (p.His137Arg)

Gene: ERCC6L2 (ERCC excision repair 6 like 2; plus strand). Cytogenetic location: 9q22.32.
Variant type: single nucleotide variant.
Coding change: c.410A>G on transcript NM_020207.7 (MANE Select); coding-DNA position 410, A replaced by G.
Protein change: p.His137Arg; replaces histidine 137 with arginine.
Molecular consequence: missense variant. On other transcripts: non-coding transcript variant (1).
Genome position (GRCh38, 1-based): chr9:95,881,232, A>G. VCF-style: chr9-95881232-A-G. GRCh37 (hg19) VCF-style: chr9-98643514-A-G.
Other names: c.410A>G, p.His137Arg (NM_001010895.4, NM_001375291.1, NM_001375292.1 and 2 more transcripts); short protein forms H137R.
Identifiers: ClinVar variation 3845953 (VCV003845953.1).

ClinVar aggregate classification (germline): Uncertain significance (1 of 4 stars; one submission).

Conditions:
Inborn genetic diseases. Identifiers: MedGen C0950123, MeSH D030342.

Submission:

Ambry Genetics
Classification: Uncertain significance for Inborn genetic diseases. Last evaluated: 2025-02-21. Review status: criteria provided, single submitter. Criteria: Ambry Variant Classification Scheme 2023. Collection method: clinical testing. Allele origin: germline.
Comment: The p.H137R variant (also known as c.410A>G), located in coding exon 2 of the ERCC6L2 gene, results from an A to G substitution at nucleotide position 410. The histidine at codon 137 is replaced by arginine, an amino acid with highly similar properties. This amino acid position is conserved. In addition, this alteration is predicted to be deleterious by in silico analysis. Based on the available evidence, the clinical significance of this variant remains unclear.